The following is an entry in ClinVar:

NM_000274.4(OAT):c.199+2T>A

Gene: OAT (ornithine aminotransferase; minus strand). Cytogenetic location: 10q26.13.
Variant type: single nucleotide variant.
Coding change: c.199+2T>A on transcript NM_000274.4 (MANE Select); the canonical splice donor site of the intron after coding-DNA position 199, T replaced by A.
Molecular consequence: splice donor variant. On other transcripts: intron variant (2).
Genome position (GRCh38, 1-based): chr10:124,411,971, A>T on the plus strand (T>A on the coding strand, the complement: OAT is on the minus strand). VCF-style: chr10-124411971-A-T. GRCh37 (hg19) VCF-style: chr10-126100540-A-T.
Other names: c.199+2T>A (NM_001322965.2, NM_001322971.2, NM_001322969.2 and 4 more transcripts); c.-215-3006T>A (NM_001171814.2); c.-515-3006T>A (NM_001322974.2).
Identifiers: ClinVar variation 4818078 (VCV004818078.2).

ClinVar aggregate classification (germline): Likely pathogenic. Review status: criteria provided, multiple submitters, no conflicts (2 of 4 stars). 2 submissions from 2 submitters: Likely pathogenic (2). Last evaluated 2024-03-04.

Conditions:
Ornithine aminotransferase deficiency (GACR). Also called: Girate atrophy of the retina; HYPERORNITHINEMIA WITH GYRATE ATROPHY OF CHOROID AND RETINA; OAT DEFICIENCY; OKT DEFICIENCY; Ornithine ketoacid aminotransferase deficiency; Gyrate atrophy. Identifiers: Orphanet 414, MedGen C0018425, MONDO:0009796, OMIM 258870.
OAT-related disorder. Also called: OAT-related condition.

gnomAD v4.1: 7 of 1,613,112 alleles (0.00043%); highest among the groups gnomAD compares: Non-Finnish European, 0.00051%; no homozygotes.

Submissions (2):

Natera, Inc.
Classification: Likely pathogenic for Gyrate atrophy. Last evaluated: 2024-03-04. Review status: criteria provided, single submitter. Criteria: Natera Variant Classification Schema (03/2026). Collection method: clinical testing. Allele origin: germline.
Comment: The c.199+2T>A variant in OAT is a canonical splice donor site variant predicted to affect pre-mRNA splicing, which may result in an abnormal transcript and altered protein product. This variant is expected to result in nonsense mediated decay, truncation, or a dysfunctional protein product. This variant is rare in the general population with a frequency below the threshold expected for the associated phenotype(s). Given the available evidence, this variant is classified as Likely Pathogenic.

Blueprint Genetics
Classification: Likely pathogenic for OAT-related disorders. Last evaluated: 2022-09-15. Review status: criteria provided, single submitter. Criteria: ACMG Guidelines, 2015. Collection method: clinical testing. Allele origin: germline. Affected: yes. Observed: 1 variant allele.